The following is an entry in ClinVar:

ClinVar aggregate classification (germline): no classifications from unflagged records (0 of 4 stars; one submission).

Conditions:
Ciliary dyskinesia, primary, 50 (CILD50). Identifiers: MedGen C5830473, MONDO:0957252, OMIM 620356.

gnomAD v4.1: 3 of 1,589,892 alleles (0.00019%); highest among the groups gnomAD compares: Middle Eastern, 0.017%; no homozygotes.

Submission:

Genomic Medicine Center of Excellence, King Faisal Specialist Hospital and Research Centre
Classification: Likely pathogenic for Ciliary dyskinesia, primary, 50. Last evaluated: 2024-03-26. Review status: flagged submission. Criteria: ACMG Guidelines, 2015. Collection method: clinical testing. Allele origin: germline.
ClinVar note: Notes: Flagging candidate with reason of insufficient supporting evidence. This gene has been classified as having a limited gene-disease relationship by a ClinGen Expert Panel.
ClinVar note: Reason: P/LP classification for a variant in a gene with insufficient evidence for a gene-disease relationship

NM_018897.3(DNAH7):c.1754+1G>A

Gene: DNAH7 (dynein axonemal heavy chain 7; minus strand). Cytogenetic location: 2q32.3.
Variant type: single nucleotide variant.
Coding change: c.1754+1G>A on transcript NM_018897.3 (MANE Select); the canonical splice donor site of the intron after coding-DNA position 1754, G replaced by A.
Molecular consequence: splice donor variant.
Genome position (GRCh38, 1-based): chr2:195,987,065, C>T on the plus strand (G>A on the coding strand, the complement: DNAH7 is on the minus strand). VCF-style: chr2-195987065-C-T. GRCh37 (hg19) VCF-style: chr2-196851789-C-T.
Identifiers: ClinVar variation 3065318 (VCV003065318.1), dbSNP rs2125631883, ClinGen allele CA349956270.